The following is an entry in ClinVar:

ClinVar aggregate classification (germline): Uncertain significance (1 of 4 stars; one submission).

Allele frequency attached by ClinVar (database versions not stated): gnomAD exomes 0.00001.
gnomAD v4.1: 8 of 1,585,234 alleles (0.0005%); highest among the groups gnomAD compares: Non-Finnish European, 0.0006%; no homozygotes.

Submission:

Labcorp Genetics (formerly Invitae), Labcorp
Classification: Uncertain significance. Last evaluated: 2022-04-10. Review status: criteria provided, single submitter. Criteria: Invitae Variant Classification Sherloc (09022015). Collection method: clinical testing. Allele origin: germline.
Comment: This sequence change falls in intron 8 of the FAT4 gene. It does not directly change the encoded amino acid sequence of the FAT4 protein. This variant is not present in population databases (gnomAD no frequency). This variant has not been reported in the literature in individuals affected with FAT4-related conditions. Algorithms developed to predict the effect of sequence changes on RNA splicing suggest that this variant may create or strengthen a splice site. In summary, the available evidence is currently insufficient to determine the role of this variant in disease. Therefore, it has been classified as a Variant of Uncertain Significance.

NM_001291303.3(FAT4):c.7451-5T>A

Gene: FAT4 (FAT atypical cadherin 4; plus strand). Cytogenetic location: 4q28.1.
Variant type: single nucleotide variant.
Coding change: c.7451-5T>A on transcript NM_001291303.3 (MANE Select); 5 bases into the intron before coding-DNA position 7451, T replaced by A.
Molecular consequence: intron variant.
Genome position (GRCh38, 1-based): chr4:125,448,456, T>A. VCF-style: chr4-125448456-T-A. GRCh37 (hg19) VCF-style: chr4-126369611-T-A.
Other names: c.7451-5T>A (NM_001291285.3); c.7445-5T>A (NM_024582.6).
Identifiers: ClinVar variation 2121868 (VCV002121868.4), dbSNP rs1725905329, ClinGen allele CA1491657030.
Genomic context (GRCh38, chr4:125,448,456, plus strand): 5'-TATCTGCTACCAAATATTTTATTTAAATTCCACGTGAGTATAACTGCACACTTTCTCTTT[T>A]ATAGGTTCCTTTGTCTTTGCGGTTACAGTCACAGATGCTGATATTGGACCAAATTCTGAA-3'